The following is an entry in ClinVar:

NM_001267550.2(TTN):c.65531del (p.Pro21844fs)

Genes: TTN (titin; minus strand), TTN-AS1 (TTN antisense RNA 1; plus strand). Cytogenetic location: 2q31.2.
Variant type: Deletion.
Coding change: c.65531del on transcript NM_001267550.2 (MANE Select); coding-DNA position 65531, one base deleted (C; older notation c.65531delC).
Protein change: p.Pro21844fs; shifts the reading frame from proline 21844.
Molecular consequence: frameshift variant. On other transcripts: non-coding transcript variant (1).
Genome position (GRCh38, 1-based): chr2:178,583,651, G deleted on the plus strand (C on the coding strand, the reverse complement: TTN is on the minus strand); the first of 3 consecutive G bases (chr2:178,583,651-178,583,653); deleting any one gives the same sequence. VCF-style (leftmost placement, unchanged base first): chr2-178583650-TG-T. GRCh37 (hg19) VCF-style: chr2-179448377-TG-T.
Other names: c.65531delC (NM_001267550.2); c.60608del, p.Pro20203fs (NM_001256850.1); c.38336del, p.Pro12779fs (NM_003319.4); c.57827del, p.Pro19276fs (NM_133378.4); c.38711del, p.Pro12904fs (NM_133432.3); c.38912del, p.Pro12971fs (NM_133437.4); c.60608delC (NM_001256850.1); short protein forms P21844fs, P12904fs, P12971fs, P19276fs, P20203fs, P12779fs.
Identifiers: ClinVar variation 202458 (VCV000202458.10), dbSNP rs794729331, ClinGen allele CA309420.

ClinVar aggregate classification (germline): Pathogenic/Likely pathogenic. Review status: criteria provided, multiple submitters, no conflicts (2 of 4 stars). 3 submissions from 2 submitters: Pathogenic (1); Likely pathogenic (2). Last evaluated 2025-03-21.

Conditions:
Dilated cardiomyopathy 1G (CMD1G). Identifiers: Orphanet 154, MedGen C1858763, MONDO:0011400, OMIM 604145.
Autosomal recessive limb-girdle muscular dystrophy type 2J (LGMDR10). Also called: MUSCULAR DYSTROPHY, LIMB-GIRDLE, AUTOSOMAL RECESSIVE 10; Limb-girdle muscular dystrophy, type 2J. Identifiers: Orphanet 140922, MedGen C1837342, MONDO:0012127, OMIM 608807.

Submissions (3):

Labcorp Genetics (formerly Invitae), Labcorp
Classification: Likely pathogenic for Dilated cardiomyopathy 1G; Autosomal recessive limb-girdle muscular dystrophy type 2J. Last evaluated: 2025-03-21. Review status: criteria provided, single submitter. Criteria: Invitae Variant Classification Sherloc (09022015). Collection method: clinical testing. Allele origin: germline.
Comment: This sequence change creates a premature translational stop signal (p.Pro21844Hisfs*9) in the TTN gene. While this is not anticipated to result in nonsense mediated decay, it is expected to create a truncated TTN protein. This variant is not present in population databases (gnomAD no frequency). This variant has not been reported in the literature in individuals affected with TTN-related conditions. ClinVar contains an entry for this variant (Variation ID: 202458). This variant is located in the A band of TTN (PMID: 25589632). Truncating variants in this region are significantly overrepresented in patients affected with dilated cardiomyopathy (PMID: 25589632). Truncating variants in this region have also been reported in individuals affected with autosomal recessive centronuclear myopathy (PMID: 23975875). In summary, the currently available evidence indicates that the variant is pathogenic, but additional data are needed to prove that conclusively. Therefore, this variant has been classified as Likely Pathogenic.

Labcorp Genetics (formerly Invitae), Labcorp
Classification: Likely pathogenic for Dilated cardiomyopathy 1G. Last evaluated: 2016-12-30. Review status: criteria provided, single submitter. Criteria: Invitae Variant Classification Sherloc (09022015). Collection method: clinical testing. Allele origin: germline.
Comment: This sequence change deletes 1 nucleotide from exon 312 of the TTN mRNA (c.65531delC), causing a frameshift at codon 21844. This creates a premature translational stop signal in codon 21853 of the TTN mRNA (p.Pro21844Hisfs*9). While this is not anticipated to result in nonsense mediated decay, it is expected to disrupt the last 14139 amino acids of the TTN protein. This variant is found in the A-band of this gene. While this particular variant has not been reported in the literature, truncating variants in the A-band of TTN are significantly overrepresented in patients with dilated cardiomyopathy and are considered to be likely pathogenic for the disease (PMID: 25589632). ClinVar contains an entry for this variant (Variation ID: 202458). For these reasons, this variant has been classified as Likely Pathogenic.

GeneDx
Classification: Pathogenic. Last evaluated: 2014-05-12. Review status: criteria provided, single submitter. Criteria: GeneDx Variant Classification (06012015). Collection method: clinical testing. Allele origin: germline. Affected: yes.
Comment: c.60608delC: p.Pro20203HisfsX9 (P20203HfsX9) in exon 262 of the TTN gene (NM_001256850.1). The normal sequence with the bases that are deleted in braces is: AGCC{C}ACCT.Although the c.60608delC mutation in the TTN gene has not been reported to our knowledge, this mutation causes a shift in reading frame starting at codon Proline20203, changing it to a Histidine, and creating a premature stop codon at position 9 of the new reading frame, denoted p.Pro20203HisfsX9. This mutation is expected to result in either an abnormal, truncated protein product or loss of protein from this allele through nonsense-mediated mRNA decay. Other truncating TTN variants have been reported in approximately 3% of control alleles (Herman D et al., 2012). However, c.60608delC is located in the A-band region of titin, where the majority of truncating mutations associated with DCM have been reported (Herman D et al., 2012). In summary, c.60608delC in the TTN gene is interpreted as a disease-causing mutation. The variant is found in DCM-CRDM panel(s).

Literature cited by the submitters: PubMed 25589632 (cited by Labcorp Genetics (formerly Invitae), Labcorp); PubMed 23975875 (cited by Labcorp Genetics (formerly Invitae), Labcorp).